The following is an entry in ClinVar:

ClinVar aggregate classification (germline): Uncertain significance. Review status: criteria provided, multiple submitters, no conflicts (2 of 4 stars). 4 submissions from 4 submitters: Uncertain significance (3). 1 of the submissions does not count toward it. Last evaluated 2024-05-07.

Conditions:
Neuronal ceroid lipofuscinosis 2. Also called: TPP1-Related Neuronal Ceroid-Lipofuscinosis; JANSKY-BIELSCHOWSKY DISEASE NEURONAL CEROID LIPOFUSCINOSIS, LATE INFANTILE. Identifiers: Orphanet 168491, Orphanet 228349, Orphanet 79264, MedGen C1876161, MONDO:0008769, OMIM 204500.

Allele frequency attached by ClinVar (database versions not stated): gnomAD exomes 0.00001; gnomAD 0.00004; TOPMed 0.00006.
gnomAD v4.1: 27 of 1,613,360 alleles (0.0017%); highest among the groups gnomAD compares: African/African-American, 0.0067%; no homozygotes.

Submissions (4):

Women's Health and Genetics/Laboratory Corporation of America, LabCorp
Classification: Uncertain significance. Last evaluated: 2024-05-07. Review status: criteria provided, single submitter. Criteria: LabCorp Variant Classification Summary - May 2015. Collection method: clinical testing. Allele origin: germline.
Comment: Variant summary: TPP1 c.1045G>A (p.Ala349Thr) results in a non-conservative amino acid change located in the Sedolisin domain (IPR030400) of the encoded protein sequence. Three of five in-silico tools predict a benign effect of the variant on protein function. The variant allele was found at a frequency of 1.2e-05 in 251366 control chromosomes. The available data on variant occurrences in the general population are insufficient to allow any conclusion about variant significance. To our knowledge, no occurrence of c.1045G>A in individuals affected with Neuronal Ceroid-Lipofuscinosis (Batten Disease) and no experimental evidence demonstrating its impact on protein function have been reported. ClinVar contains an entry for this variant (Variation ID: 426535). Based on the evidence outlined above, the variant was classified as uncertain significance.

Labcorp Genetics (formerly Invitae), Labcorp
Classification: Uncertain significance. Last evaluated: 2024-01-15. Review status: criteria provided, single submitter. Criteria: Invitae Variant Classification Sherloc (09022015). Collection method: clinical testing. Allele origin: germline.
Comment: This sequence change replaces alanine, which is neutral and non-polar, with threonine, which is neutral and polar, at codon 349 of the TPP1 protein (p.Ala349Thr). This variant is present in population databases (no rsID available, gnomAD 0.01%). This variant has not been reported in the literature in individuals affected with TPP1-related conditions. ClinVar contains an entry for this variant (Variation ID: 426535). Advanced modeling of protein sequence and biophysical properties (such as structural, functional, and spatial information, amino acid conservation, physicochemical variation, residue mobility, and thermodynamic stability) performed at Invitae indicates that this missense variant is not expected to disrupt TPP1 protein function with a negative predictive value of 95%. In summary, the available evidence is currently insufficient to determine the role of this variant in disease. Therefore, it has been classified as a Variant of Uncertain Significance.

GeneDx
Classification: Uncertain significance. Last evaluated: 2018-03-08. Review status: criteria provided, single submitter. Criteria: GeneDx Variant Classification (06012015). Collection method: clinical testing. Allele origin: germline. Affected: yes.
Comment: A variant of uncertain significance has been identified in the TPP1 gene. The A349T variant has not been published as a pathogenic variant, nor has it been reported as a benign variant to our knowledge. The A349T variant is not observed in large population cohorts (Lek et al., 2016; 1000 Genomes Consortium et al., 2015; Exome Variant Server). The A349T variant is a non-conservative amino acid substitution, which is likely to impact secondary protein structure as these residues differ in polarity, charge, size and/or other properties. Multiple missense variants in nearby residues have been reported in Human Gene Mutation Database in association with late-infantile neuronal ceroid lipofuscinosis (Stenson et al., 2014), supporting the functional importance of this region of the protein. However, this substitution occurs at a position that is not conserved and in silico analysis is inconsistent in its predictions as to whether or not the variant is damaging to the protein structure/function. Therefore, based on the currently available information, it is unclear whether this variant is a pathogenic variant or a rare benign variant.

Natera, Inc.
Classification: Uncertain significance for Neuronal ceroid lipofuscinosis 2. Last evaluated: 2019-11-11. Review status: no assertion criteria provided. Collection method: clinical testing. Allele origin: germline. Not counted in ClinVar's aggregate classification.

NM_000391.4(TPP1):c.1045G>A (p.Ala349Thr)

Gene: TPP1 (tripeptidyl peptidase 1; minus strand). Cytogenetic location: 11p15.4.
Variant type: single nucleotide variant.
Coding change: c.1045G>A on transcript NM_000391.4 (MANE Select); coding-DNA position 1045, G replaced by A.
Protein change: p.Ala349Thr; replaces alanine 349 with threonine.
Molecular consequence: missense variant.
Genome position (GRCh38, 1-based): chr11:6,616,345, C>T on the plus strand (G>A on the coding strand, the complement: TPP1 is on the minus strand). VCF-style: chr11-6616345-C-T. GRCh37 (hg19) VCF-style: chr11-6637576-C-T.
Other names: short protein forms A349T.
Identifiers: ClinVar variation 426535 (VCV000426535.9), dbSNP rs1085307673, ClinGen allele CA379474095.